The following is an entry in ClinVar:

ClinVar aggregate classification (germline): Likely benign. Review status: criteria provided, single submitter (1 of 4 stars). 2 submissions from 2 submitters: Likely benign (1). 1 of the submissions does not count toward it. Last evaluated 2025-06-24.

Conditions:
Dextro-looped transposition of the great arteries. Also called: Dextrotransposition of the great arteries. Identifiers: Orphanet 860, MedGen C3531771, MONDO:0019443, OMIM 608808, HP:0031348.
MED13L-related disorder. Also called: MED13L-related condition.

Allele frequency attached by ClinVar (database versions not stated): gnomAD exomes below 0.00001 and 0.00001; gnomAD 0.00002; TOPMed 0.00002.
gnomAD v4.1: 16 of 1,614,056 alleles (0.00099%); highest among the groups gnomAD compares: Admixed American, 0.0017%; no homozygotes.

Submissions (2):

Labcorp Genetics (formerly Invitae), Labcorp
Classification: Likely benign for Dextro-looped transposition of the great arteries. Last evaluated: 2025-06-24. Review status: criteria provided, single submitter. Criteria: Invitae Variant Classification Sherloc (09022015). Collection method: clinical testing. Allele origin: germline.

PreventionGenetics, part of Exact Sciences
Classification: Likely benign for MED13L-related condition. Last evaluated: 2019-06-21. Review status: no assertion criteria provided. Collection method: clinical testing. Allele origin: germline. Not counted in ClinVar's aggregate classification.
Comment: This variant is classified as likely benign based on ACMG/AMP sequence variant interpretation guidelines (Richards et al. 2015 PMID: 25741868, with internal and published modifications).

NM_015335.5(MED13L):c.4269G>T (p.Val1423=)

Gene: MED13L (mediator complex subunit 13L; minus strand). Cytogenetic location: 12q24.21.
Variant type: single nucleotide variant.
Coding change: c.4269G>T on transcript NM_015335.5 (MANE Select); coding-DNA position 4269, G replaced by T.
Protein change: p.Val1423=; no amino-acid change (valine 1423 retained).
Molecular consequence: synonymous variant.
Genome position (GRCh38, 1-based): chr12:115,986,335, C>A on the plus strand (G>T on the coding strand, the complement: MED13L is on the minus strand). VCF-style: chr12-115986335-C-A. GRCh37 (hg19) VCF-style: chr12-116424140-C-A.
Other names: c.4269G>T (NM_015335.4).
Identifiers: ClinVar variation 1116099 (VCV001116099.11), dbSNP rs997965874, ClinGen allele CA244143634.
Genomic context (GRCh38, chr12:115,986,335, plus strand): 5'-AGCACTCAAGTCCCTGAAGAAAGTTTTGGCTCCTTCGAGCAAGGCCTCATTTTCTGGACA[C>A]ACCACAATATAGGCAACATCACGGTGGCCCCCATATGGGTCCAACAAGAGCCTCTCCCAA-3'
Protein context (NP_056150.1, residues 1413-1433): GGHRDVAYIV[Val1423=]CPENEALLEG